The following is an entry in ClinVar:

ClinVar aggregate classification (germline): Uncertain significance (1 of 4 stars; one submission).

Conditions:
Hereditary sensory neuropathy-deafness-dementia syndrome. Also called: NEUROPATHY, HEREDITARY SENSORY, WITH HEARING LOSS AND DEMENTIA; Hereditary Sensory and Autonomic Neuropathy Type 1E (HSAN1E); HSN IE; Hereditary sensory neuropathy type IE. Identifiers: Orphanet 456318, MedGen C3279885, MONDO:0013584, OMIM 614116.

Submission:

Labcorp Genetics (formerly Invitae), Labcorp
Classification: Uncertain significance for Hereditary sensory neuropathy-deafness-dementia syndrome. Last evaluated: 2025-08-13. Review status: criteria provided, single submitter. Criteria: Invitae Variant Classification Sherloc (09022015). Collection method: clinical testing. Allele origin: germline.
Comment: This sequence change replaces leucine, which is neutral and non-polar, with proline, which is neutral and non-polar, at codon 418 of the DNMT1 protein (p.Leu418Pro). This variant is not present in population databases (gnomAD no frequency). This variant has not been reported in the literature in individuals affected with DNMT1-related conditions. Invitae Evidence Modeling of protein sequence and biophysical properties (such as structural, functional, and spatial information, amino acid conservation, physicochemical variation, residue mobility, and thermodynamic stability) indicates that this missense variant is not expected to disrupt DNMT1 protein function with a negative predictive value of 80%. In summary, the available evidence is currently insufficient to determine the role of this variant in disease. Therefore, it has been classified as a Variant of Uncertain Significance.

NM_001130823.3(DNMT1):c.1253T>C (p.Leu418Pro)

Gene: DNMT1 (DNA methyltransferase 1; minus strand). Cytogenetic location: 19p13.2.
Variant type: single nucleotide variant.
Coding change: c.1253T>C on transcript NM_001130823.3 (MANE Select); coding-DNA position 1253, T replaced by C.
Protein change: p.Leu418Pro; replaces leucine 418 with proline.
Molecular consequence: missense variant.
Genome position (GRCh38, 1-based): chr19:10,159,685, A>G on the plus strand (T>C on the coding strand, the complement: DNMT1 is on the minus strand). VCF-style: chr19-10159685-A-G. GRCh37 (hg19) VCF-style: chr19-10270361-A-G.
Other names: c.1205T>C, p.Leu402Pro (NM_001318730.2, NM_001379.4); c.890T>C, p.Leu297Pro (NM_001318731.2); short protein forms L418P, L297P, L402P.
Identifiers: ClinVar variation 4745418 (VCV004745418.1).